The following is an entry in ClinVar:

ClinVar aggregate classification (germline): Uncertain significance (1 of 4 stars; one submission).

Conditions:
Candidiasis, familial, 9 (CANDF9). Identifiers: Orphanet 1334, MedGen C4225324, MONDO:0014642, OMIM 616445.

Allele frequency attached by ClinVar (database versions not stated): gnomAD 0.00001; gnomAD exomes 0.00005 and 0.00008; ExAC 0.00016.
gnomAD v4.1: 36 of 1,565,578 alleles (0.0023%); highest among the groups gnomAD compares: Non-Finnish European, 0.0022%; no homozygotes.

Submission:

Labcorp Genetics (formerly Invitae), Labcorp
Classification: Uncertain significance for Candidiasis, familial, 9. Last evaluated: 2021-03-05. Review status: criteria provided, single submitter. Criteria: Invitae Variant Classification Sherloc (09022015). Collection method: clinical testing. Allele origin: germline.
Comment: In summary, the available evidence is currently insufficient to determine the role of this variant in disease. Therefore, it has been classified as a Variant of Uncertain Significance. Algorithms developed to predict the effect of missense changes on protein structure and function are either unavailable or do not agree on the potential impact of this missense change (SIFT: "Deleterious"; PolyPhen-2: "Probably Damaging"; Align-GVGD: "Class C0"). This variant has not been reported in the literature in individuals with IL17RC-related conditions. This variant is present in population databases (rs760137655, ExAC 0.03%). This sequence change replaces leucine with proline at codon 600 of the IL17RC protein (p.Leu600Pro). The leucine residue is highly conserved and there is a moderate physicochemical difference between leucine and proline.

NM_153460.4(IL17RC):c.1586T>C (p.Leu529Pro)

Gene: IL17RC (interleukin 17 receptor C; plus strand). Cytogenetic location: 3p25.3.
Variant type: single nucleotide variant.
Coding change: c.1586T>C on transcript NM_153460.4 (MANE Select); coding-DNA position 1586, T replaced by C.
Protein change: p.Leu529Pro; replaces leucine 529 with proline.
Molecular consequence: missense variant. On other transcripts: non-coding transcript variant (1).
Genome position (GRCh38, 1-based): chr3:9,933,016, T>C. VCF-style: chr3-9933016-T-C. GRCh37 (hg19) VCF-style: chr3-9974700-T-C.
Other names: c.1547T>C, p.Leu516Pro (NM_001203263.2); c.1496T>C, p.Leu499Pro (NM_001203264.2); c.1490T>C, p.Leu497Pro (NM_001203265.2); c.1508T>C, p.Leu503Pro (NM_001367278.1); c.1427T>C, p.Leu476Pro (NM_001367279.1); c.1502T>C, p.Leu501Pro (NM_001367280.1); c.1541T>C, p.Leu514Pro (NM_032732.6); c.1799T>C, p.Leu600Pro (NM_153461.4); short protein forms L497P, L516P, L600P, L499P, L503P, L501P, L514P, L476P.
Identifiers: ClinVar variation 1041904 (VCV001041904.5), dbSNP rs760137655, ClinGen allele CA2247368.
Genomic context (GRCh38, chr3:9,933,016, plus strand): 5'-CCGCCAGGGGCCGCGCGGCTCTGCTCCTCTACTCAGCCGATGACTCGGGTTTCGAGCGCC[T>C]GGTGGGCGCCCTGGCGTCGGCCCTGTGCCAGCTGCCGCTGCGCGTGGCCGTAGACCTGTG-3'
Protein context (NP_703190.2, residues 519-539): YSADDSGFER[Leu529Pro]VGALASALCQ